The following is an entry in ClinVar:

ClinVar aggregate classification (germline): Likely benign. Review status: reviewed by expert panel (3 of 4 stars). 12 submissions from 12 submitters: Likely benign (1). 11 of the submissions do not count toward it. Last evaluated 2017-06-29.

Conditions:
Hereditary cancer-predisposing syndrome. Also called: Tumor predisposition; Neoplastic Syndromes, Hereditary; Hereditary Cancer Syndrome; Hereditary neoplastic syndrome. Identifiers: Orphanet 140162, MedGen C0027672, MeSH D009386, MONDO:0015356.
Hereditary breast ovarian cancer syndrome. Also called: Hereditary breast and ovarian cancer; Hereditary breast and ovarian cancer syndrome (HBOC); Breast and ovarian cancer; Hereditary breast and/or ovarian cancer syndrome; BRCA1- and BRCA2-Associated Hereditary Breast and Ovarian Cancer; Hereditary breast and ovarian cancer syndrome. Identifiers: Orphanet 145, MedGen C0677776, MeSH D061325, MONDO:0003582. Disease mechanism: loss of function.
Breast-ovarian cancer, familial, susceptibility to, 2 (BROVCA2). Also called: BRCA2 Hereditary Breast and Ovarian Cancer. Identifiers: Orphanet 145, MedGen C2675520, MONDO:0012933, OMIM 612555. Disease mechanism: loss of function.

Allele frequency attached by ClinVar (database versions not stated): gnomAD 0.00001; gnomAD exomes 0.00002; ExAC 0.00003; TOPMed 0.00003.
gnomAD v4.1: 10 of 1,613,576 alleles (0.00062%); highest among the groups gnomAD compares: Admixed American, 0.005%; no homozygotes.

Submissions (12):

Evidence-based Network for the Interpretation of Germline Mutant Alleles (ENIGMA)
Classification: Likely benign for Breast-ovarian cancer, familial, susceptibility to, 2. Last evaluated: 2017-06-29. Review status: reviewed by expert panel. Criteria: ENIGMA BRCA1/2 Classification Criteria (2017-06-29). Collection method: curation. Allele origin: germline.
Comment: Synonymous substitution variant, with low bioinformatic likelihood to result in a splicing aberration (Splicing prior probability 0.02).

Labcorp Genetics (formerly Invitae), Labcorp
Classification: Likely benign for Hereditary breast ovarian cancer syndrome. Last evaluated: 2025-12-04. Review status: criteria provided, single submitter. Criteria: Invitae Variant Classification Sherloc (09022015). Collection method: clinical testing. Allele origin: germline. Not counted in ClinVar's aggregate classification.

CeGaT Center for Human Genetics Tuebingen
Classification: Likely benign. Last evaluated: 2024-08-01. Review status: criteria provided, single submitter. Criteria: CeGaT Center For Human Genetics Tuebingen Variant Classification Criteria Version 2. Collection method: clinical testing. Allele origin: germline. Affected: yes. Observed: 1 variant allele. Not counted in ClinVar's aggregate classification.
Comment: BRCA2: BP4, BP7

Blueprint Genetics
Classification: Likely benign. Last evaluated: 2024-03-28. Review status: criteria provided, single submitter. Criteria: ACMG Guidelines, 2015. Collection method: clinical testing. Allele origin: germline. Not counted in ClinVar's aggregate classification.

All of Us Research Program, National Institutes of Health
Classification: Likely benign for Breast-ovarian cancer, familial, susceptibility to, 2. Last evaluated: 2023-11-20. Review status: criteria provided, single submitter. Criteria: ACMG Guidelines, 2015. Collection method: clinical testing. Allele origin: germline. Inheritance: Autosomal dominant inheritance. Observed: 2 variant alleles, 2 heterozygotes. Not counted in ClinVar's aggregate classification.
Comment: This study involves interpretation of variants in research participants for the purpose of population health screening. Participant phenotype was not available at the time of variant classification. Additional details can be found in publication PMID: 35346344, PMCID: PMC8962531

Quest Diagnostics Nichols Institute San Juan Capistrano
Classification: Benign. Last evaluated: 2022-03-24. Review status: criteria provided, single submitter. Criteria: Quest Diagnostics criteria. Collection method: clinical testing. Allele origin: unknown. Not counted in ClinVar's aggregate classification.

Sema4
Classification: Likely benign for Hereditary cancer-predisposing syndrome. Last evaluated: 2021-12-23. Review status: criteria provided, single submitter. Criteria: Sema4 Curation Guidelines. Collection method: curation. Allele origin: germline. Not counted in ClinVar's aggregate classification.

Women's Health and Genetics/Laboratory Corporation of America, LabCorp
Classification: Likely benign. Last evaluated: 2019-09-03. Review status: criteria provided, single submitter. Criteria: LabCorp Variant Classification Summary - May 2015. Collection method: clinical testing. Allele origin: germline. Not counted in ClinVar's aggregate classification.

Color Diagnostics, LLC DBA Color Health
Classification: Likely benign for Hereditary cancer-predisposing syndrome. Last evaluated: 2017-11-26. Review status: criteria provided, single submitter. Criteria: ACMG Guidelines, 2015. Collection method: clinical testing. Allele origin: germline. Not counted in ClinVar's aggregate classification.

GeneDx
Classification: Likely benign. Last evaluated: 2016-05-04. Review status: criteria provided, single submitter. Criteria: GeneDx Variant Classification (06012015). Collection method: clinical testing. Allele origin: germline. Affected: yes. Not counted in ClinVar's aggregate classification.
Comment: This variant is considered likely benign or benign based on one or more of the following criteria: it is a conservative change, it occurs at a poorly conserved position in the protein, it is predicted to be benign by multiple in silico algorithms, and/or has population frequency not consistent with disease.

Ambry Genetics
Classification: Likely benign for Hereditary cancer-predisposing syndrome. Last evaluated: 2014-10-09. Review status: criteria provided, single submitter. Criteria: Ambry Variant Classification Scheme 2023. Collection method: clinical testing. Allele origin: germline. Not counted in ClinVar's aggregate classification.

Counsyl
Classification: Likely benign for Breast-ovarian cancer, familial, susceptibility to, 2. Last evaluated: 2016-10-11. Review status: no assertion criteria provided. Collection method: clinical testing. Allele origin: unknown. Not counted in ClinVar's aggregate classification.

Literature cited by the submitters: PubMed 15937982 (cited by Counsyl); PubMed 24884479 (cited by Counsyl).

NM_000059.4(BRCA2):c.4698C>T (p.Thr1566=)

Gene: BRCA2 (BRCA2 DNA repair associated; plus strand). Cytogenetic location: 13q13.1.
Variant type: single nucleotide variant.
Coding change: c.4698C>T on transcript NM_000059.4 (MANE Select); coding-DNA position 4698, C replaced by T.
Protein change: p.Thr1566=; no amino-acid change (threonine 1566 retained).
Molecular consequence: synonymous variant.
Genome position (GRCh38, 1-based): chr13:32,339,053, C>T. VCF-style: chr13-32339053-C-T. GRCh37 (hg19) VCF-style: chr13-32913190-C-T.
Identifiers: ClinVar variation 186633 (VCV000186633.44), dbSNP rs750813972, ClinGen allele CA020677.